The following is an entry in ClinVar:

ClinVar aggregate classification (germline): Likely benign. Review status: criteria provided, multiple submitters, no conflicts (2 of 4 stars). 3 submissions from 3 submitters: Likely benign (3). Last evaluated 2025-08-17.

Conditions:
Hereditary cancer-predisposing syndrome. Also called: Neoplastic Syndromes, Hereditary; Hereditary Cancer Syndrome; Tumor predisposition; Hereditary neoplastic syndrome. Identifiers: Orphanet 140162, MedGen C0027672, MeSH D009386, MONDO:0015356.
Ataxia-telangiectasia syndrome (AT). Also called: LOUIS-BAR SYNDROME; Cerebello-oculocutaneous telangiectasia; Immunodeficiency with ataxia telangiectasia; Ataxia-telangiectasia, complementation group D; AT, COMPLEMENTATION GROUP C; Ataxia-telangiectasia, complementation group E. Identifiers: Orphanet 100, MedGen C0004135, MONDO:0008840, OMIM 208900.
Familial cancer of breast. Also called: Hereditary breast cancer; BREAST CANCER, FAMILIAL; hereditary breast carcinoma. Identifiers: Orphanet 227535, MedGen C0346153, MONDO:0016419, OMIM 114480. Disease mechanism: loss of function.

Allele frequency attached by ClinVar (database versions not stated): gnomAD exomes below 0.00001; gnomAD 0.00001; TOPMed 0.00001.
gnomAD v4.1: 7 of 1,605,722 alleles (0.00044%); highest among the groups gnomAD compares: Non-Finnish European, 0.0006%; no homozygotes.

Submissions (3):

Labcorp Genetics (formerly Invitae), Labcorp
Classification: Likely benign for Ataxia-telangiectasia syndrome. Last evaluated: 2025-08-17. Review status: criteria provided, single submitter. Criteria: Invitae Variant Classification Sherloc (09022015). Collection method: clinical testing. Allele origin: germline.

Myriad Genetics, Inc.
Classification: Likely benign for Familial cancer of breast. Last evaluated: 2024-05-24. Review status: criteria provided, single submitter. Criteria: Myriad Autosomal Dominant, Autosomal Recessive and X-Linked Classification Criteria (2023). Collection method: clinical testing. Allele origin: unknown.
Comment: This variant is considered likely benign. This variant is intronic and is not expected to impact mRNA splicing.

Color Diagnostics, LLC DBA Color Health
Classification: Likely benign for Hereditary cancer-predisposing syndrome. Last evaluated: 2016-04-25. Review status: criteria provided, single submitter. Criteria: ACMG Guidelines, 2015. Collection method: clinical testing. Allele origin: germline.

NM_000051.4(ATM):c.5763-19A>G

Genes: ATM (ATM serine/threonine kinase; plus strand), C11orf65 (chromosome 11 open reading frame 65; minus strand). Cytogenetic location: 11q22.3.
Variant type: single nucleotide variant.
Coding change: c.5763-19A>G on transcript NM_000051.4 (MANE Select); 19 bases into the intron before coding-DNA position 5763, A replaced by G.
Molecular consequence: intron variant.
Genome position (GRCh38, 1-based): chr11:108,310,141, A>G. VCF-style: chr11-108310141-A-G. GRCh37 (hg19) VCF-style: chr11-108180868-A-G.
Other names: c.5763-19A>G (NM_001351834.2); c.641-1070T>C (NM_001330368.2); c.*39-1070T>C (NM_001351110.2).
Identifiers: ClinVar variation 490624 (VCV000490624.10), dbSNP rs967402817, ClinGen allele CA228396299.